The following is an entry in ClinVar:

ClinVar aggregate classification (germline): Likely benign. Review status: criteria provided, multiple submitters, no conflicts (2 of 4 stars). 2 submissions from 2 submitters: Likely benign (2). Last evaluated 2025-10-16.

Conditions:
Osteogenesis imperfecta type I (OI1). Also called: OI, TYPE I; OSTEOGENESIS IMPERFECTA TARDA; OSTEOGENESIS IMPERFECTA WITH BLUE SCLERAE; Lobstein's Disease; Classic Non-deforming Osteogenesis Imperfecta with Blue Sclerae; Lobstein disease. Identifiers: Orphanet 216796, Orphanet 666, MedGen C0023931, MONDO:0008146, OMIM 166200. Disease mechanism: loss of function.
Ehlers-Danlos syndrome, classic type, 1 (EDSCL1). Also called: Ehlers-Danlos Syndrome, Classic Type, COL5A1-Related; EDS I; Ehlers-Danlos syndrome, type 1; EHLERS-DANLOS SYNDROME, GRAVIS TYPE; EHLERS-DANLOS SYNDROME, SEVERE CLASSIC TYPE. Identifiers: MedGen C0268335, MONDO:0019567, OMIM 130000.

Allele frequency attached by ClinVar (database versions not stated): ExAC 0.00002; gnomAD exomes 0.00001 and 0.00006; gnomAD 0.00001 and 0.00002; TOPMed 0.00002.
gnomAD v4.1: 18 of 1,612,418 alleles (0.0011%); highest among the groups gnomAD compares: Admixed American, 0.03%; no homozygotes.

Submissions (2):

Labcorp Genetics (formerly Invitae), Labcorp
Classification: Likely benign for Osteogenesis imperfecta type I; Ehlers-Danlos syndrome, classic type, 1. Last evaluated: 2025-10-16. Review status: criteria provided, single submitter. Criteria: Invitae Variant Classification Sherloc (09022015). Collection method: clinical testing. Allele origin: germline.

GeneDx
Classification: Likely benign. Last evaluated: 2018-02-09. Review status: criteria provided, single submitter. Criteria: GeneDx Variant Classification (06012015). Collection method: clinical testing. Allele origin: germline. Affected: yes.
Comment: This variant is considered likely benign or benign based on one or more of the following criteria: it is a conservative change, it occurs at a poorly conserved position in the protein, it is predicted to be benign by multiple in silico algorithms, and/or has population frequency not consistent with disease.

NM_000089.4(COL1A2):c.1764+13T>G

Gene: COL1A2 (collagen type I alpha 2 chain; plus strand). Cytogenetic location: 7q21.3.
Variant type: single nucleotide variant.
Coding change: c.1764+13T>G on transcript NM_000089.4 (MANE Select); 13 bases into the intron after coding-DNA position 1764, T replaced by G.
Molecular consequence: intron variant.
Genome position (GRCh38, 1-based): chr7:94,415,283, T>G. VCF-style: chr7-94415283-T-G. GRCh37 (hg19) VCF-style: chr7-94044595-T-G.
Identifiers: ClinVar variation 515503 (VCV000515503.9), dbSNP rs780458719, ClinGen allele CA4347196.